The following is an entry in ClinVar:

ClinVar aggregate classification (germline): Uncertain significance (1 of 4 stars; one submission).

Conditions:
Tooth agenesis, selective, 4 (STHAG4). Also called: LATERAL INCISORS, ABSENCE OF; LATERAL INCISORS, PEGGED OR MISSING; SUCCEDANEOUS TEETH, AGENESIS OF; TOOTH AGENESIS, SELECTIVE, 4, WITH OR WITHOUT ECTODERMAL DYSPLASIA. Identifiers: Orphanet 99798, MedGen C1835492, MONDO:0007881, OMIM 150400. Disease mechanism: loss of function.

Submission:

Center of Excellence in Precision Medicine and Digital Health (CEPMDH), Faculty of Dentistry, Chulalongkorn University
Classification: Uncertain significance for Tooth agenesis, selective, 4. Review status: criteria provided, single submitter. Criteria: ACMG Guidelines, 2015. Collection method: research. Allele origin: germline. Inheritance: Autosomal dominant inheritance. Affected: yes. Observed: 3 variant alleles, 3 heterozygotes.
Comment: Low penetrance of WNT10A heterozygous variants were observed previously in patients with tooth agenesis (Kantaputra, Kaewgahya, & Kantaputra, 2014; PlaisanciÃ© et al., 2013). The c.912_918dupAAC (p.Asn306dup) variant was identified in non-syndromic tooth agenesis family inherited in an autosomal dominant manner but also identified in an unaffected relative. The variant is classified as uncertain significance based on ACMG guideline with the following evidence; PM2 and PM4.

NM_025216.3(WNT10A):c.916_918dup (p.Asn306dup)

Gene: WNT10A (Wnt family member 10A; plus strand). Cytogenetic location: 2q35.
Variant type: Duplication.
Coding change: c.916_918dup on transcript NM_025216.3 (MANE Select); coding-DNA positions 916 to 918, 3 bases duplicated (AAC; older notation c.916_918dupAAC).
Protein change: p.Asn306dup; duplicates asparagine 306.
Molecular consequence: inframe insertion.
Genome position (GRCh38, 1-based): chr2:218,892,933-218,892,935, AAC duplicated; duplicating any 3 consecutive bases within chr2:218,892,932-218,892,935 gives the same sequence; the c. name uses the placement nearest the transcript's 3' end. VCF-style (leftmost placement, unchanged base first): chr2-218892931-G-GCAA. GRCh37 (hg19) VCF-style: chr2-219757653-G-GCAA.
Other names: c.916_918dupAAC (NM_025216.3).
Identifiers: ClinVar variation 929422 (VCV000929422.2), dbSNP rs752005843, ClinGen allele CA65919081.